The following is an entry in ClinVar:

NM_005559.4(LAMA1):c.5126G>C (p.Arg1709Thr)

Gene: LAMA1 (laminin subunit alpha 1; minus strand). Cytogenetic location: 18p11.31.
Variant type: single nucleotide variant.
Coding change: c.5126G>C on transcript NM_005559.4 (MANE Select); coding-DNA position 5126, G replaced by C.
Protein change: p.Arg1709Thr; replaces arginine 1709 with threonine.
Molecular consequence: missense variant.
Genome position (GRCh38, 1-based): chr18:6,992,603, C>G on the plus strand (G>C on the coding strand, the complement: LAMA1 is on the minus strand). VCF-style: chr18-6992603-C-G. GRCh37 (hg19) VCF-style: chr18-6992602-C-G.
Other names: short protein forms R1709T.
Identifiers: ClinVar variation 1940708 (VCV001940708.5), dbSNP rs2510850058, ClinGen allele CA401841012.
Genomic context (GRCh38, chr18:6,992,603, plus strand): 5'-CAGTAATTAGAAACTTACTTGAGTTCAAGGGTGGCATTTTGGTGCAACTGTGTGAAGTCT[C>G]TTATCTGCATGATTTCTAGCAAAGATGTACCATTCTGTTGCATGTTCTGAAGAGTAGAAT-3'
Protein context (NP_005550.2, residues 1699-1719): GTSLLEIMQI[Arg1709Thr]DFTQLHQNAT

ClinVar aggregate classification (germline): Uncertain significance (1 of 4 stars; one submission).

Submission:

Labcorp Genetics (formerly Invitae), Labcorp
Classification: Uncertain significance. Last evaluated: 2022-09-06. Review status: criteria provided, single submitter. Criteria: Invitae Variant Classification Sherloc (09022015). Collection method: clinical testing. Allele origin: germline.
Comment: In summary, the available evidence is currently insufficient to determine the role of this variant in disease. Therefore, it has been classified as a Variant of Uncertain Significance. Algorithms developed to predict the effect of missense changes on protein structure and function (SIFT, PolyPhen-2, Align-GVGD) all suggest that this variant is likely to be tolerated. This variant has not been reported in the literature in individuals affected with LAMA1-related conditions. This variant is not present in population databases (gnomAD no frequency). This sequence change replaces arginine, which is basic and polar, with threonine, which is neutral and polar, at codon 1709 of the LAMA1 protein (p.Arg1709Thr).